The following is an entry in ClinVar:

ClinVar aggregate classification (germline): Pathogenic (1 of 4 stars; one submission).

Submission:

Labcorp Genetics (formerly Invitae), Labcorp
Classification: Pathogenic. Last evaluated: 2023-09-03. Review status: criteria provided, single submitter. Criteria: Invitae Variant Classification Sherloc (09022015). Collection method: clinical testing. Allele origin: germline.
Comment: ClinVar contains an entry for this variant (Variation ID: 955739). Experimental studies and prediction algorithms are not available or were not evaluated, and the functional significance of this variant is currently unknown. This variant disrupts a region of the USH2A protein in which other variant(s) (p.Gly603Arg ) have been determined to be pathogenic (PMID: 28559085, 28944237). This suggests that this is a clinically significant region of the protein, and that variants that disrupt it are likely to be disease-causing. For these reasons, this variant has been classified as Pathogenic. This variant has been observed in individuals with Usher syndrome and retinitis pigmentosa (PMID: 25333064; Invitae). This variant, c.1808_1810del, results in the deletion of 1 amino acid(s) of the USH2A protein (p.Gly603del), but otherwise preserves the integrity of the reading frame. This variant is not present in population databases (gnomAD no frequency).

Literature cited by the submitters: PubMed 28559085; PubMed 28944237; PubMed 25333064.

NM_206933.4(USH2A):c.1802GAG[2] (p.Gly603del)

Gene: USH2A (usherin; minus strand). Cytogenetic location: 1q41.
Variant type: Microsatellite.
Coding change: c.1802GAG[2] on transcript NM_206933.4 (MANE Select); two copies in a row of the 3-base unit GAG starting at c.1802; the reference has three copies in a row; one copy, 3 bases deleted.
Protein change: p.Gly603del; deletes glycine 603.
Molecular consequence: inframe deletion.
Genome position (GRCh38, 1-based): chr1:216,292,205-216,292,207, CTC deleted on the plus strand (GAG on the coding strand, the reverse complement: USH2A is on the minus strand); deleting any 3 consecutive bases within chr1:216,292,205-216,292,214 gives the same sequence; the position shown is the placement nearest the transcript's 3' end. VCF-style (leftmost placement, unchanged base first): chr1-216292204-ACTC-A. GRCh37 (hg19) VCF-style: chr1-216465546-ACTC-A.
Other names: c.1802GAG[2], p.Gly603del (NM_007123.6); short protein forms G603del.
Identifiers: ClinVar variation 955739 (VCV000955739.9), dbSNP rs2037014263, ClinGen allele CA1220638822.
Genomic context (GRCh38, chr1:216,292,204, plus strand): 5'-AAACCAACTCAGGAATTTATTTGCTACTTACCTGTAGTGTTATGCTCACAATCATCACAA[ACTC>A]CTCCTCCCCCTCTGAAGTGCTCAAAAGGAAATGGGTCTACAGAGATGTTGTAATGGCAGC-3'